The following is an entry in ClinVar:

ClinVar aggregate classification (germline): Pathogenic (1 of 4 stars; one submission).

Conditions:
Charcot-Marie-Tooth disease type 4. Also called: Charcot-Marie-Tooth, Type 4; Charcot-Marie-Tooth disease, type IV. Identifiers: Orphanet 64749, MedGen C4082197, MONDO:0018995.

Submission:

Labcorp Genetics (formerly Invitae), Labcorp
Classification: Pathogenic for Charcot-Marie-Tooth disease type 4. Last evaluated: 2018-01-24. Review status: criteria provided, single submitter. Criteria: Invitae Variant Classification Sherloc (09022015). Collection method: clinical testing. Allele origin: germline.
Comment: A different truncation (p.Cys715*) that lies downstream of this variant has been determined to be pathogenic (PMID: 12112076). This suggests that deletion of this region of the PRX protein is causative of disease. This sequence change results in a premature translational stop signal in the PRX gene (p.Lys118Argfs*10). While this is not anticipated to result in nonsense mediated decay, it is expected to disrupt 9 amino acids and delete the last 1336 amino acids of the PRX protein. For these reasons, this variant has been classified as Pathogenic. This variant has not been reported in the literature in individuals with PRX-related disease. This variant is not present in population databases (ExAC no frequency).

Literature cited by the submitters: PubMed 12112076.

NM_181882.3(PRX):c.353del (p.Lys118fs)

Gene: PRX (periaxin; minus strand). Cytogenetic location: 19q13.2.
Variant type: Deletion.
Coding change: c.353del on transcript NM_181882.3 (MANE Select); coding-DNA position 353, one base deleted (A; older notation c.353delA).
Protein change: p.Lys118fs; shifts the reading frame from lysine 118.
Molecular consequence: frameshift variant.
Genome position (GRCh38, 1-based): chr19:40,398,648, T deleted on the plus strand (A on the coding strand, the reverse complement: PRX is on the minus strand); the first of 2 consecutive T bases (chr19:40,398,648-40,398,649); deleting either gives the same sequence. VCF-style (leftmost placement, unchanged base first): chr19-40398647-CT-C. GRCh37 (hg19) VCF-style: chr19-40904554-CT-C.
Other names: c.353delA (NM_181882.2); c.353del, p.Lys118fs (NM_020956.2); short protein forms K118fs.
Identifiers: ClinVar variation 577125 (VCV000577125.8), dbSNP rs1568710514, ClinGen allele CA633466439.